The following is an entry in ClinVar:

NM_001684.5(ATP2B4):c.1800-9C>T

Gene: ATP2B4 (ATPase plasma membrane Ca2+ transporting 4; plus strand). Cytogenetic location: 1q32.1.
Variant type: single nucleotide variant.
Coding change: c.1800-9C>T on transcript NM_001684.5 (MANE Select); 9 bases into the intron before coding-DNA position 1800, C replaced by T.
Molecular consequence: intron variant.
Genome position (GRCh38, 1-based): chr1:203,710,868, C>T. VCF-style: chr1-203710868-C-T. GRCh37 (hg19) VCF-style: chr1-203679996-C-T.
Other names: c.1800-9C>T (NM_001001396.3, NM_001365783.2, NM_001365784.2).
Identifiers: ClinVar variation 3057831 (VCV003057831.2), dbSNP rs1358703183, ClinGen allele CA528165291.

ClinVar aggregate classification (germline): Likely benign (0 of 4 stars; one submission).

Conditions:
ATP2B4-related disorder. Also called: ATP2B4-related condition.

Allele frequency attached by ClinVar (database versions not stated): TOPMed below 0.00001; gnomAD exomes 0.00001.
gnomAD v4.1: 11 of 1,599,478 alleles (0.00069%); highest among the groups gnomAD compares: East Asian, 0.016%; no homozygotes.

Submission:

PreventionGenetics, part of Exact Sciences
Classification: Likely benign for ATP2B4-related condition. Last evaluated: 2019-03-20. Review status: no assertion criteria provided. Collection method: clinical testing. Allele origin: germline.
Comment: This variant is classified as likely benign based on ACMG/AMP sequence variant interpretation guidelines (Richards et al. 2015 PMID: 25741868, with internal and published modifications).